The following is an entry in ClinVar:

ClinVar aggregate classification (germline): Uncertain significance (1 of 4 stars; one submission).

gnomAD v4.1: 1 of 1,211,618 alleles (0.000083%); highest among the groups gnomAD compares: Non-Finnish European, 0.00011%; no homozygotes.

Submission:

Labcorp Genetics (formerly Invitae), Labcorp
Classification: Uncertain significance. Last evaluated: 2025-01-24. Review status: criteria provided, single submitter. Criteria: Invitae Variant Classification Sherloc (09022015). Collection method: clinical testing. Allele origin: germline.
Comment: This sequence change replaces arginine, which is basic and polar, with leucine, which is neutral and non-polar, at codon 380 of the PORCN protein (p.Arg380Leu). This variant is not present in population databases (gnomAD no frequency). This variant has not been reported in the literature in individuals affected with PORCN-related conditions. Invitae Evidence Modeling of protein sequence and biophysical properties (such as structural, functional, and spatial information, amino acid conservation, physicochemical variation, residue mobility, and thermodynamic stability) indicates that this missense variant is not expected to disrupt PORCN protein function with a negative predictive value of 80%. In summary, the available evidence is currently insufficient to determine the role of this variant in disease. Therefore, it has been classified as a Variant of Uncertain Significance.

NM_203475.3(PORCN):c.1139G>T (p.Arg380Leu)

Gene: PORCN (porcupine O-acyltransferase; plus strand). Cytogenetic location: Xp11.23.
Variant type: single nucleotide variant.
Coding change: c.1139G>T on transcript NM_203475.3 (MANE Select); coding-DNA position 1139, G replaced by T.
Protein change: p.Arg380Leu; replaces arginine 380 with leucine.
Molecular consequence: missense variant.
Genome position (GRCh38, 1-based): chrX:48,516,112, G>T. VCF-style: chrX-48516112-G-T. GRCh37 (hg19) VCF-style: chrX-48374500-G-T.
Other names: c.893G>T, p.Arg298Leu (NM_001282167.2); c.1106G>T, p.Arg369Leu (NM_022825.4); c.1124G>T, p.Arg375Leu (NM_203473.3); c.1121G>T, p.Arg374Leu (NM_203474.1); short protein forms R298L, R369L, R375L, R380L, R374L.
Identifiers: ClinVar variation 3720279 (VCV003720279.2).